The following is an entry in ClinVar:

NM_015178.3(RHOBTB2):c.1241T>C (p.Val414Ala)

Gene: RHOBTB2 (Rho related BTB domain containing 2; plus strand). Cytogenetic location: 8p21.3.
Variant type: single nucleotide variant.
Coding change: c.1241T>C on transcript NM_015178.3 (MANE Select); coding-DNA position 1241, T replaced by C.
Protein change: p.Val414Ala; replaces valine 414 with alanine.
Molecular consequence: missense variant.
Genome position (GRCh38, 1-based): chr8:23,007,486, T>C. VCF-style: chr8-23007486-T-C. GRCh37 (hg19) VCF-style: chr8-22864999-T-C.
Other names: c.1307T>C, p.Val436Ala (NM_001160036.2); c.1262T>C, p.Val421Ala (NM_001160037.2); c.1241T>C, p.Val414Ala (NM_001374791.1); c.1307T>C (NM_001160036.1); short protein forms V414A, V421A, V436A.
Identifiers: ClinVar variation 1924029 (VCV001924029.6), dbSNP rs750353391, ClinGen allele CA4672636.
Genomic context (GRCh38, chr8:23,007,486, plus strand): 5'-TGAGCATCCAGGAAGAGATGGCAGAAGATCCTCTCACCTACAAATCCCGGCTGATGGTGG[T>C]GGTGAAGATGGACAGTTCCATCCAGCCGGGGCCCTTCCGGGCTGTCCTCAAGTACCTGTA-3'
Protein context (NP_055993.2, residues 404-424): PLTYKSRLMV[Val414Ala]VKMDSSIQPG

ClinVar aggregate classification (germline): Conflicting classifications of pathogenicity. Review status: criteria provided, conflicting classifications (1 of 4 stars). 2 submissions from 2 submitters: Uncertain significance (1); Likely benign (1). Last evaluated 2025-06-26.

Conditions:
Inborn genetic diseases. Identifiers: MedGen C0950123, MeSH D030342.

Allele frequency attached by ClinVar (database versions not stated): ExAC 0.00001; gnomAD exomes 0.00001; gnomAD 0.00005; TOPMed 0.00006.
gnomAD v4.1: 13 of 1,613,984 alleles (0.00081%); highest among the groups gnomAD compares: African/African-American, 0.017%; no homozygotes.

Submissions (2):

Ambry Genetics
Classification: Likely benign for Inborn genetic diseases. Last evaluated: 2025-06-26. Review status: criteria provided, single submitter. Criteria: Ambry Variant Classification Scheme 2023. Collection method: clinical testing. Allele origin: germline.

Labcorp Genetics (formerly Invitae), Labcorp
Classification: Uncertain significance. Last evaluated: 2024-01-12. Review status: criteria provided, single submitter. Criteria: Invitae Variant Classification Sherloc (09022015). Collection method: clinical testing. Allele origin: germline.
Comment: This sequence change replaces valine, which is neutral and non-polar, with alanine, which is neutral and non-polar, at codon 436 of the RHOBTB2 protein (p.Val436Ala). This variant is present in population databases (rs750353391, gnomAD 0.03%). This variant has not been reported in the literature in individuals affected with RHOBTB2-related conditions. ClinVar contains an entry for this variant (Variation ID: 1924029). Advanced modeling of protein sequence and biophysical properties (such as structural, functional, and spatial information, amino acid conservation, physicochemical variation, residue mobility, and thermodynamic stability) performed at Invitae indicates that this missense variant is not expected to disrupt RHOBTB2 protein function with a negative predictive value of 80%. In summary, the available evidence is currently insufficient to determine the role of this variant in disease. Therefore, it has been classified as a Variant of Uncertain Significance.